The following is an entry in ClinVar:

ClinVar aggregate classification (germline): Pathogenic (1 of 4 stars; one submission).

Submission:

Labcorp Genetics (formerly Invitae), Labcorp
Classification: Pathogenic. Last evaluated: 2025-11-11. Review status: criteria provided, single submitter. Criteria: Invitae Variant Classification Sherloc (09022015). Collection method: clinical testing. Allele origin: germline.
Comment: This sequence change creates a premature translational stop signal (p.Phe1458Serfs*14) in the PCDH15 gene. While this is not anticipated to result in nonsense mediated decay, it is expected to disrupt the last 498 amino acid(s) of the PCDH15 protein. This variant is present in population databases (rs754624281, gnomAD 0.007%). This variant has not been reported in the literature in individuals affected with PCDH15-related conditions. ClinVar contains an entry for this variant (Variation ID: 1068955). Algorithms developed to predict the effect of sequence changes on RNA splicing suggest that this variant may disrupt the consensus splice site. This variant disrupts a region of the PCDH15 protein in which other variant(s) (p.Glu1491Ilefs*11) have been determined to be pathogenic (internal data). This suggests that this is a clinically significant region of the protein, and that variants that disrupt it are likely to be disease-causing. For these reasons, this variant has been classified as Pathogenic.

NM_033056.4(PCDH15):c.4368_4371dup (p.Phe1458fs)

Gene: PCDH15 (protocadherin related 15; minus strand). Cytogenetic location: 10q21.1.
Variant type: Duplication.
Coding change: c.4368_4371dup on transcript NM_033056.4 (MANE Plus Clinical); coding-DNA positions 4368 to 4371, 4 bases duplicated (CTTT; older notation c.4368_4371dupCTTT).
Protein change: p.Phe1458fs; shifts the reading frame from phenylalanine 1458.
Molecular consequence: frameshift variant. On other transcripts: intron variant (8).
Genome position (GRCh38, 1-based): chr10:53,823,354-53,823,357, AAAG duplicated on the plus strand (CTTT on the coding strand, the reverse complement: PCDH15 is on the minus strand); duplicating any 4 consecutive bases within chr10:53,823,354-53,823,358 gives the same sequence; the c. name uses the placement nearest the transcript's 3' end. VCF-style (leftmost placement, unchanged base first): chr10-53823353-A-AAAAG. GRCh37 (hg19) VCF-style: chr10-55583113-A-AAAAG.
Other names: c.4390_4393dup, p.Phe1465fs (NM_001142763.2); c.4375_4378dup, p.Phe1460fs (NM_001142764.2); c.4162_4165dup, p.Phe1389fs (NM_001142765.2); c.4359_4362dup, p.Phe1455fs (NM_001142766.2); c.4248_4251dup, p.Phe1418fs (NM_001142767.2); c.4309_4312dup, p.Phe1438fs (NM_001142768.2); c.4300_4303dup, p.Phe1435fs (NM_001142773.2); c.4302_4305dup, p.Phe1436fs (NM_001354404.2); and 6 more; short protein forms F1389fs, F1418fs, F1435fs, F1436fs, F1438fs, F1455fs, F1458fs, F1460fs.
Identifiers: ClinVar variation 1068955 (VCV001068955.7), dbSNP rs754624281, ClinGen allele CA5505297.
Genomic context (GRCh38, chr10:53,823,353, plus strand): 5'-TGTTTCCTGTCTTCTGAGACTGAGTTATTTCCCCTGCTTTGTTGAAAATGGTAGAGAAGG[A>AAAAG]AAAGACTTGAAAGAAAAGAAGATAATGAAATGTAAGGAAACAAGTTGTGACACAGCTTTC-3'